The following is an entry in ClinVar:

ClinVar aggregate classification (germline): Uncertain significance. Review status: criteria provided, multiple submitters, no conflicts (2 of 4 stars). 3 submissions from 3 submitters: Uncertain significance (2). 1 of the submissions does not count toward it. Last evaluated 2025-01-06.

Conditions:
Glycine encephalopathy. Also called: Non-ketotic hyperglycinemia; Nonketotic hyperglycinemia. Identifiers: Orphanet 407, MedGen C0751748, MONDO:0011612, HP:0008288.

Allele frequency attached by ClinVar (database versions not stated): gnomAD exomes 0.00003; ExAC 0.00012; gnomAD 0.00014 and 0.00015; TOPMed 0.00014.
gnomAD v4.1: 61 of 1,517,388 alleles (0.004%); highest among the groups gnomAD compares: African/African-American, 0.058%; no homozygotes.

Submissions (3):

Labcorp Genetics (formerly Invitae), Labcorp
Classification: Uncertain significance for Glycine encephalopathy. Last evaluated: 2025-01-06. Review status: criteria provided, single submitter. Criteria: Invitae Variant Classification Sherloc (09022015). Collection method: clinical testing. Allele origin: germline.
Comment: This sequence change replaces serine, which is neutral and polar, with asparagine, which is neutral and polar, at codon 37 of the GLDC protein (p.Ser37Asn). The frequency data for this variant in the population databases is considered unreliable, as metrics indicate poor data quality at this position in the gnomAD database. This variant has not been reported in the literature in individuals affected with GLDC-related conditions. ClinVar contains an entry for this variant (Variation ID: 531762). Invitae Evidence Modeling of protein sequence and biophysical properties (such as structural, functional, and spatial information, amino acid conservation, physicochemical variation, residue mobility, and thermodynamic stability) indicates that this missense variant is not expected to disrupt GLDC protein function with a negative predictive value of 80%. In summary, the available evidence is currently insufficient to determine the role of this variant in disease. Therefore, it has been classified as a Variant of Uncertain Significance.

GeneDx
Classification: Uncertain significance. Last evaluated: 2020-12-18. Review status: criteria provided, single submitter. Criteria: GeneDx Variant Classification Process June 2021. Collection method: clinical testing. Allele origin: germline. Affected: yes.
Comment: In silico analysis, which includes protein predictors and evolutionary conservation, supports that this variant does not alter protein structure/function

Natera, Inc.
Classification: Uncertain significance for Non-ketotic hyperglycinemia. Last evaluated: 2019-11-11. Review status: no assertion criteria provided. Collection method: clinical testing. Allele origin: germline. Not counted in ClinVar's aggregate classification.

NM_000170.3(GLDC):c.110G>A (p.Ser37Asn)

Gene: GLDC (glycine decarboxylase; minus strand). Cytogenetic location: 9p24.1.
Variant type: single nucleotide variant.
Coding change: c.110G>A on transcript NM_000170.3 (MANE Select); coding-DNA position 110, G replaced by A.
Protein change: p.Ser37Asn; replaces serine 37 with asparagine.
Molecular consequence: missense variant.
Genome position (GRCh38, 1-based): chr9:6,645,390, C>T on the plus strand (G>A on the coding strand, the complement: GLDC is on the minus strand). VCF-style: chr9-6645390-C-T. GRCh37 (hg19) VCF-style: chr9-6645390-C-T.
Other names: short protein forms S37N.
Identifiers: ClinVar variation 531762 (VCV000531762.10), dbSNP rs763471932, ClinGen allele CA4981293.